The following is an entry in ClinVar:

NM_001360016.2(G6PD):c.337G>T (p.Asp113Tyr)

Gene: G6PD (glucose-6-phosphate dehydrogenase; minus strand). Cytogenetic location: Xq28.
Variant type: single nucleotide variant.
Coding change: c.337G>T on transcript NM_001360016.2 (MANE Select); coding-DNA position 337, G replaced by T.
Protein change: p.Asp113Tyr; replaces aspartic acid 113 with tyrosine.
Molecular consequence: missense variant.
Genome position (GRCh38, 1-based): chrX:154,535,316, C>A on the plus strand (G>T on the coding strand, the complement: G6PD is on the minus strand). VCF-style: chrX-154535316-C-A. GRCh37 (hg19) VCF-style: chrX-153763531-C-A.
Other names: c.427G>T, p.Asp143Tyr (NM_000402.4); c.337G>T, p.Asp113Tyr (NM_001042351.3); short protein forms D113Y, D143Y.
Identifiers: ClinVar variation 994389 (VCV000994389.9), dbSNP rs5030870, ClinGen allele CA415238923.
Genomic context (GRCh38, chrX:154,535,316, plus strand): 5'-GTGACCCCAGGTGGAGGGCATTCATGTGGCTGTTGAGGCGCTGGTAGGAGGCTGCATCAT[C>A]GTACTGGCCAGCCACATAGGAGTTGCGGGCAAAGAAGTCCTCCAGCTTGAGCTTCTCCTC-3'
Protein context (NP_001346945.1, residues 103-123): ARNSYVAGQY[Asp113Tyr]DAASYQRLNS

ClinVar aggregate classification (germline): Uncertain significance. Review status: criteria provided, multiple submitters, no conflicts (2 of 4 stars). 2 submissions from 2 submitters: Uncertain significance (2). Last evaluated 2025-02-11.

Conditions:
Anemia, nonspherocytic hemolytic, due to G6PD deficiency (CNSHA1). Also called: Class I glucose-6-phosphate dehydrogenase deficiency; Favism, susceptibility to; ANEMIA, CONGENITAL, NONSPHEROCYTIC HEMOLYTIC, 1; Hemolytic anemia due to G6PD deficiency. Identifiers: Orphanet 466026, MedGen C2720289, MONDO:0010480, OMIM 300908.

Allele frequency attached by ClinVar (database versions not stated): gnomAD 0.00001.
gnomAD v4.1: 4 of 1,210,686 alleles (0.00033%); highest among the groups gnomAD compares: African/African-American, 0.0052%; no homozygotes.

Submissions (2):

Labcorp Genetics (formerly Invitae), Labcorp
Classification: Uncertain significance for Anemia, nonspherocytic hemolytic, due to G6PD deficiency. Last evaluated: 2025-02-11. Review status: criteria provided, single submitter. Criteria: Invitae Variant Classification Sherloc (09022015). Collection method: clinical testing. Allele origin: germline.
Comment: This sequence change replaces aspartic acid, which is acidic and polar, with tyrosine, which is neutral and polar, at codon 113 of the G6PD protein (p.Asp113Tyr). This variant is not present in population databases (gnomAD no frequency). This variant has not been reported in the literature in individuals affected with G6PD-related conditions. ClinVar contains an entry for this variant (Variation ID: 994389). Invitae Evidence Modeling of protein sequence and biophysical properties (such as structural, functional, and spatial information, amino acid conservation, physicochemical variation, residue mobility, and thermodynamic stability) indicates that this missense variant is expected to disrupt G6PD protein function with a positive predictive value of 95%. In summary, the available evidence is currently insufficient to determine the role of this variant in disease. Therefore, it has been classified as a Variant of Uncertain Significance.

ARUP Laboratories, Molecular Genetics and Genomics, ARUP Laboratories
Classification: Uncertain significance. Last evaluated: 2019-09-04. Review status: criteria provided, single submitter. Criteria: ARUP Molecular Germline Variant Investigation Process. Collection method: clinical testing. Allele origin: germline.